The following is an entry in ClinVar:

ClinVar aggregate classification (germline): Uncertain significance (1 of 4 stars; one submission).

Conditions:
Hereditary cancer-predisposing syndrome. Also called: Tumor predisposition; Hereditary neoplastic syndrome; Hereditary Cancer Syndrome; Neoplastic Syndromes, Hereditary. Identifiers: Orphanet 140162, MedGen C0027672, MeSH D009386, MONDO:0015356.

Submission:

Ambry Genetics
Classification: Uncertain significance for Hereditary cancer-predisposing syndrome. Last evaluated: 2025-06-09. Review status: criteria provided, single submitter. Criteria: Ambry Variant Classification Scheme 2023. Collection method: clinical testing. Allele origin: germline.
Comment: The p.L348P variant (also known as c.1043T>C), located in coding exon 9 of the POT1 gene, results from a T to C substitution at nucleotide position 1043. The leucine at codon 348 is replaced by proline, an amino acid with similar properties. This amino acid position is conserved. In addition, this alteration is predicted to be deleterious by in silico analysis. Based on the available evidence, the clinical significance of this variant remains unclear.

NM_015450.3(POT1):c.1043T>C (p.Leu348Pro)

Gene: POT1 (protection of telomeres 1; minus strand). Cytogenetic location: 7q31.33.
Variant type: single nucleotide variant.
Coding change: c.1043T>C on transcript NM_015450.3 (MANE Select); coding-DNA position 1043, T replaced by C.
Protein change: p.Leu348Pro; replaces leucine 348 with proline.
Molecular consequence: missense variant. On other transcripts: non-coding transcript variant (3).
Genome position (GRCh38, 1-based): chr7:124,842,927, A>G on the plus strand (T>C on the coding strand, the complement: POT1 is on the minus strand). VCF-style: chr7-124842927-A-G. GRCh37 (hg19) VCF-style: chr7-124482981-A-G.
Other names: c.650T>C, p.Leu217Pro (NM_001042594.2); short protein forms L217P, L348P.
Identifiers: ClinVar variation 3936259 (VCV003936259.1).
Genomic context (GRCh38, chr7:124,842,927, plus strand): 5'-GACCTCAATTTTGCTCGGATGCGGTATTGTTGAGGAGCTTTTTGTTTCAAAATGGCACAT[A>G]GTGGTGTCCTCTCCAAATACTGATGATCTGTAAGTACTGTAAAGAATTTTTATATTCAAT-3'
Protein context (NP_056265.2, residues 338-358): TDHQYLERTP[Leu348Pro]CAILKQKAPQ